The following is an entry in ClinVar:

NM_001127222.2(CACNA1A):c.623G>C (p.Gly208Ala)

Gene: CACNA1A (calcium voltage-gated channel subunit alpha1 A; minus strand). Cytogenetic location: 19p13.13.
Variant type: single nucleotide variant.
Coding change: c.623G>C on transcript NM_001127222.2 (MANE Select); coding-DNA position 623, G replaced by C.
Protein change: p.Gly208Ala; replaces glycine 208 with alanine.
Molecular consequence: missense variant.
Genome position (GRCh38, 1-based): chr19:13,371,696, C>G on the plus strand (G>C on the coding strand, the complement: CACNA1A is on the minus strand). VCF-style: chr19-13371696-C-G. GRCh37 (hg19) VCF-style: chr19-13482510-C-G.
Other names: c.623G>C, p.Gly208Ala (NM_000068.4, NM_001127221.2, NM_001174080.2 and 1 more transcripts); short protein forms G208A.
Identifiers: ClinVar variation 1390746 (VCV001390746.6), dbSNP rs2144559143, ClinGen allele CA404350664.

ClinVar aggregate classification (germline): Uncertain significance (1 of 4 stars; one submission).

Conditions:
Developmental and epileptic encephalopathy, 42 (DEE42A). Also called: Epileptic encephalopathy, early infantile, 42; DEVELOPMENTAL AND EPILEPTIC ENCEPHALOPATHY 42A; EPILEPTIC ENCEPHALOPATHY, EARLY INFANTILE, 42A. Identifiers: MedGen C4310716, MONDO:0014917, OMIM 617106.
Episodic ataxia type 2 (EA2). Also called: EPISODIC ATAXIA, NYSTAGMUS-ASSOCIATED; ACETAZOLAMIDE-RESPONSIVE HEREDITARY PAROXYSMAL CEREBELLAR ATAXIA; ATAXIA, EPISODIC, WITH NYSTAGMUS; ATAXIA, FAMILIAL PAROXYSMAL; CEREBELLAR ATAXIA, PAROXYSMAL, ACETAZOLAMIDE-RESPONSIVE; CEREBELLOPATHY, HEREDITARY PAROXYSMAL. Identifiers: Orphanet 97, MedGen C1720416, MONDO:0007163, OMIM 108500.

Submission:

Labcorp Genetics (formerly Invitae), Labcorp
Classification: Uncertain significance for Developmental and epileptic encephalopathy, 42; Episodic ataxia type 2. Last evaluated: 2022-01-17. Review status: criteria provided, single submitter. Criteria: Invitae Variant Classification Sherloc (09022015). Collection method: clinical testing. Allele origin: germline.
Comment: In summary, the available evidence is currently insufficient to determine the role of this variant in disease. Therefore, it has been classified as a Variant of Uncertain Significance. Advanced modeling of protein sequence and biophysical properties (such as structural, functional, and spatial information, amino acid conservation, physicochemical variation, residue mobility, and thermodynamic stability) performed at Invitae indicates that this missense variant is expected to disrupt CACNA1A protein function. This variant has not been reported in the literature in individuals affected with CACNA1A-related conditions. This variant is not present in population databases (gnomAD no frequency). This sequence change replaces glycine, which is neutral and non-polar, with alanine, which is neutral and non-polar, at codon 208 of the CACNA1A protein (p.Gly208Ala).